The following is an entry in ClinVar:

NM_007294.4(BRCA1):c.3037G>C (p.Glu1013Gln)

Gene: BRCA1 (BRCA1 DNA repair associated; minus strand). Cytogenetic location: 17q21.31.
Variant type: single nucleotide variant.
Coding change: c.3037G>C on transcript NM_007294.4 (MANE Select); coding-DNA position 3037, G replaced by C.
Protein change: p.Glu1013Gln; replaces glutamic acid 1013 with glutamine.
Molecular consequence: missense variant. On other transcripts: intron variant (137).
Genome position (GRCh38, 1-based): chr17:43,092,494, C>G on the plus strand (G>C on the coding strand, the complement: BRCA1 is on the minus strand). VCF-style: chr17-43092494-C-G. GRCh37 (hg19) VCF-style: chr17-41244511-C-G.
Other names: c.2824G>C, p.Glu942Gln (NM_001407571.1, NM_001407853.1, NM_001407894.1 and 9 more transcripts); c.3037G>C, p.Glu1013Gln (NM_001407581.1, NM_001407582.1, NM_001407583.1 and 30 more transcripts); c.3034G>C, p.Glu1012Gln (NM_001407587.1, NM_001407590.1, NM_001407591.1 and 22 more transcripts); c.3028G>C, p.Glu1010Gln (NM_001407646.1, NM_001407647.1); c.2914G>C, p.Glu972Gln (NM_001407648.1, NM_001407664.1, NM_001407665.1 and 19 more transcripts); c.2911G>C, p.Glu971Gln (NM_001407649.1, NM_001407670.1, NM_001407671.1 and 11 more transcripts); c.2959G>C, p.Glu987Gln (NM_001407653.1, NM_001407654.1, NM_001407655.1 and 4 more transcripts); c.2956G>C, p.Glu986Gln (NM_001407659.1, NM_001407660.1, NM_001407661.1 and 1 more transcripts); and 41 more; short protein forms E1010Q, E1012Q, E1013Q, E717Q, E845Q, E885Q, E886Q, E901Q.
Identifiers: ClinVar variation 2442964 (VCV002442964.4), dbSNP rs1555588500, ClinGen allele CA10595918.

ClinVar aggregate classification (germline): Conflicting classifications of pathogenicity. Review status: criteria provided, conflicting classifications (1 of 4 stars). 3 submissions from 3 submitters: Uncertain significance (2); Likely benign (1). Last evaluated 2024-02-12.

Conditions:
Breast and/or ovarian cancer. Identifiers: MedGen CN221562.
Hereditary cancer-predisposing syndrome. Also called: Neoplastic Syndromes, Hereditary; Hereditary Cancer Syndrome; Tumor predisposition; Hereditary neoplastic syndrome. Identifiers: Orphanet 140162, MedGen C0027672, MeSH D009386, MONDO:0015356.

Submissions (3):

Ambry Genetics
Classification: Uncertain significance for Hereditary cancer-predisposing syndrome. Last evaluated: 2024-02-12. Review status: criteria provided, single submitter. Criteria: Ambry Variant Classification Scheme 2023. Collection method: clinical testing. Allele origin: germline.
Comment: The p.E1013Q variant (also known as c.3037G>C), located in coding exon 9 of the BRCA1 gene, results from a G to C substitution at nucleotide position 3037. The glutamic acid at codon 1013 is replaced by glutamine, an amino acid with highly similar properties. This amino acid position is poorly conserved in available vertebrate species. In addition, this alteration is predicted to be tolerated by in silico analysis. Based on the available evidence, the clinical significance of this alteration remains unclear.

University of Washington Department of Laboratory Medicine, University of Washington
Classification: Likely benign for Hereditary cancer-predisposing syndrome. Last evaluated: 2023-03-23. Review status: criteria provided, single submitter. Criteria: Dines et al. (Genet Med. 2020). Collection method: curation. Allele origin: germline.
Comment: Missense variant in a coldspot region where missense variants are very unlikely to be pathogenic (PMID:31911673).

BRCA1 coldspot (exon 11 using historical exon numbering). Reclassification based on statistical prior probability

CHEO Genetics Diagnostic Laboratory, Children's Hospital of Eastern Ontario
Classification: Uncertain significance for Breast and/or ovarian cancer. Last evaluated: 2021-08-17. Review status: criteria provided, single submitter. Criteria: ACMG Guidelines, 2015. Collection method: clinical testing. Allele origin: germline.